The following is an entry in ClinVar:

NM_015311.3(OBSL1):c.1919C>G (p.Ser640Cys)

Gene: OBSL1 (obscurin like cytoskeletal adaptor 1; minus strand). Cytogenetic location: 2q35.
Variant type: single nucleotide variant.
Coding change: c.1919C>G on transcript NM_015311.3 (MANE Select); coding-DNA position 1919, C replaced by G.
Protein change: p.Ser640Cys; replaces serine 640 with cysteine.
Molecular consequence: missense variant.
Genome position (GRCh38, 1-based): chr2:219,567,045, G>C on the plus strand (C>G on the coding strand, the complement: OBSL1 is on the minus strand). VCF-style: chr2-219567045-G-C. GRCh37 (hg19) VCF-style: chr2-220431767-G-C.
Other names: c.1919C>G, p.Ser640Cys (NM_001173408.2, NM_001173431.2); c.1919C>G (NM_015311.2); short protein forms S640C.
Identifiers: ClinVar variation 2414158 (VCV002414158.7), dbSNP rs969469409, ClinGen allele CA66035786.

ClinVar aggregate classification (germline): Uncertain significance. Review status: criteria provided, multiple submitters, no conflicts (2 of 4 stars). 2 submissions from 2 submitters: Uncertain significance (2). Last evaluated 2024-06-13.

Conditions:
Inborn genetic diseases. Identifiers: MedGen C0950123, MeSH D030342.

Allele frequency attached by ClinVar (database versions not stated): gnomAD 0.00001.
gnomAD v4.1: 3 of 1,613,340 alleles (0.00019%); highest among the groups gnomAD compares: African/African-American, 0.004%; no homozygotes.

Submissions (2):

Ambry Genetics
Classification: Uncertain significance for Inborn genetic diseases. Last evaluated: 2024-06-13. Review status: criteria provided, single submitter. Criteria: Ambry Variant Classification Scheme 2023. Collection method: clinical testing. Allele origin: germline.

Labcorp Genetics (formerly Invitae), Labcorp
Classification: Uncertain significance. Last evaluated: 2022-07-20. Review status: criteria provided, single submitter. Criteria: Invitae Variant Classification Sherloc (09022015). Collection method: clinical testing. Allele origin: germline.
Comment: In summary, the available evidence is currently insufficient to determine the role of this variant in disease. Therefore, it has been classified as a Variant of Uncertain Significance. Algorithms developed to predict the effect of sequence changes on RNA splicing suggest that this variant may disrupt the consensus splice site. Algorithms developed to predict the effect of missense changes on protein structure and function are either unavailable or do not agree on the potential impact of this missense change (SIFT: "Deleterious"; PolyPhen-2: "Probably Damaging"; Align-GVGD: "Class C0"). This variant has not been reported in the literature in individuals affected with OBSL1-related conditions. This variant is present in population databases (no rsID available, gnomAD 0.007%). This sequence change replaces serine, which is neutral and polar, with cysteine, which is neutral and slightly polar, at codon 640 of the OBSL1 protein (p.Ser640Cys).